The following is an entry in ClinVar:

ClinVar aggregate classification (germline): Conflicting classifications of pathogenicity. Review status: criteria provided, conflicting classifications (1 of 4 stars). 6 submissions from 6 submitters: Likely pathogenic (2); Uncertain significance (3). 1 of the submissions does not count toward it. Last evaluated 2026-04-27.

Conditions:
Retinitis pigmentosa 25 (RP25). Identifiers: Orphanet 791, MedGen C1864446, MONDO:0011272, OMIM 602772.
EYS-related disorder. Also called: EYS-related condition.

Allele frequency attached by ClinVar (database versions not stated): gnomAD exomes below 0.00001 and 0.00001.
gnomAD v4.1: 3 of 1,541,992 alleles (0.00019%); highest among the groups gnomAD compares: African/African-American, 0.0014%; no homozygotes.

Submissions (6):

PreventionGenetics, part of Exact Sciences
Classification: Uncertain significance for EYS-related condition. Last evaluated: 2026-04-27. Review status: criteria provided, single submitter. Criteria: ACMG Guidelines, 2015. Collection method: clinical testing. Allele origin: germline.
Comment: The EYS c.5959A>C variant is predicted to result in the amino acid substitution p.Thr1987Pro. This variant has been reported along with a second or additional EYS variant(s) in individuals with rod-cone dystrophy or retinitis pigmentosa (Audo et al. 2010. PubMed ID: 20333770; Barragán et al. 2010. PubMed ID: 21069908; Table S4, Panneman et al. 2023. PubMed ID: 36819107; internal data, PreventionGenetics). This variant has also been reported in a cohort of individuals with inherited retinal dystrophy (Table S1, Karali et al. 2022. PubMed ID: 36460718); however, additional information was not provided. This variant is reported in 0.0017% of alleles in individuals of European (Non-Finnish) descent in gnomAD. At this time, the clinical significance of this variant is uncertain due to the absence of conclusive functional and genetic evidence.

Labcorp Genetics (formerly Invitae), Labcorp
Classification: Likely pathogenic. Last evaluated: 2025-04-08. Review status: criteria provided, single submitter. Criteria: Invitae Variant Classification Sherloc (09022015). Collection method: clinical testing. Allele origin: germline.
Comment: This sequence change replaces threonine, which is neutral and polar, with proline, which is neutral and non-polar, at codon 1987 of the EYS protein (p.Thr1987Pro). This variant is present in population databases (no rsID available, gnomAD 0.002%). This missense change has been observed in individuals with inherited retinal dystrophy (PMID: 20333770, 21069908, 36460718, 36819107; internal data). ClinVar contains an entry for this variant (Variation ID: 957948). Invitae Evidence Modeling of protein sequence and biophysical properties (such as structural, functional, and spatial information, amino acid conservation, physicochemical variation, residue mobility, and thermodynamic stability) has been performed for this missense variant. However, the output from this modeling did not meet the statistical confidence thresholds required to predict the impact of this variant on EYS protein function. In summary, the currently available evidence indicates that the variant is pathogenic, but additional data are needed to prove that conclusively. Therefore, this variant has been classified as Likely Pathogenic.

Fulgent Genetics
Classification: Likely pathogenic for Retinitis pigmentosa 25. Last evaluated: 2024-05-29. Review status: criteria provided, single submitter. Criteria: ACMG Guidelines, 2015. Collection method: clinical testing. Allele origin: germline.

Blueprint Genetics
Classification: Uncertain significance. Last evaluated: 2024-01-30. Review status: criteria provided, single submitter. Criteria: ACMG Guidelines, 2015. Collection method: clinical testing. Allele origin: germline.

Women's Health and Genetics/Laboratory Corporation of America, LabCorp
Classification: Uncertain significance. Last evaluated: 2023-07-19. Review status: criteria provided, single submitter. Criteria: LabCorp Variant Classification Summary - May 2015. Collection method: clinical testing. Allele origin: germline.
Comment: Variant summary: EYS c.5959A>C (p.Thr1987Pro) results in a non-conservative amino acid change located in the Laminin G domain (IPR001791) of the encoded protein sequence. Three of five in-silico tools predict a damaging effect of the variant on protein function. The variant allele was found at a frequency of 6.8e-06 in 147844 control chromosomes (gnomAD). c.5959A>C has been reported in the literature in individuals affected with Retinitis Pigmentosa (Audo_2010, Barragan_2010, Karali_2022, Panneman_2023), and one was reported as compound heterozygous with a (likely) pathogenic variant. These data indicate that the variant may be associated with disease. To our knowledge, no experimental evidence demonstrating an impact on protein function has been reported. The following publications have been ascertained in the context of this evaluation (PMID: 20333770, 21069908, 36460718, 36819107). Two submitters have cited clinical-significance assessments for this variant to ClinVar after 2014, and classified the variant as uncertain significance. Based on the evidence outlined above, the variant was classified as VUS-possibly pathogenic.

Natera, Inc.
Classification: Uncertain significance for Retinitis pigmentosa type 25. Last evaluated: 2021-06-02. Review status: no assertion criteria provided. Collection method: clinical testing. Allele origin: germline. Not counted in ClinVar's aggregate classification.

Literature cited by the submitters: PubMed 20333770 (cited by Labcorp Genetics (formerly Invitae), Labcorp and Women's Health and Genetics/Laboratory Corporation of America, LabCorp); PubMed 21069908 (cited by Labcorp Genetics (formerly Invitae), Labcorp and Women's Health and Genetics/Laboratory Corporation of America, LabCorp); PubMed 36460718 (cited by Labcorp Genetics (formerly Invitae), Labcorp and Women's Health and Genetics/Laboratory Corporation of America, LabCorp); PubMed 36819107 (cited by Labcorp Genetics (formerly Invitae), Labcorp and Women's Health and Genetics/Laboratory Corporation of America, LabCorp).

NM_001142800.2(EYS):c.5959A>C (p.Thr1987Pro)

Gene: EYS (EGF-like photoreceptor maintenance factor; minus strand). Cytogenetic location: 6q12.
Variant type: single nucleotide variant.
Coding change: c.5959A>C on transcript NM_001142800.2 (MANE Select); coding-DNA position 5959, A replaced by C.
Protein change: p.Thr1987Pro; replaces threonine 1987 with proline.
Molecular consequence: missense variant.
Genome position (GRCh38, 1-based): chr6:64,388,809, T>G on the plus strand (A>C on the coding strand, the complement: EYS is on the minus strand). VCF-style: chr6-64388809-T-G. GRCh37 (hg19) VCF-style: chr6-65098702-T-G.
Other names: c.5959A>C, p.Thr1987Pro (NM_001292009.2); short protein forms T1987P.
Identifiers: ClinVar variation 957948 (VCV000957948.14), dbSNP rs1278246029, ClinGen allele CA364392188.